The following is an entry in ClinVar:

ClinVar aggregate classification (germline): Uncertain significance (1 of 4 stars; one submission).

Conditions:
Inborn genetic diseases. Identifiers: MedGen C0950123, MeSH D030342.

Submission:

Ambry Genetics
Classification: Uncertain significance for Inborn genetic diseases. Last evaluated: 2025-09-10. Review status: criteria provided, single submitter. Criteria: Ambry Variant Classification Scheme 2023. Collection method: clinical testing. Allele origin: germline.
Comment: The c.1063T>C (p.C355R) alteration is located in exon 5 (coding exon 5) of the YY1 gene. This alteration results from a T to C substitution at nucleotide position 1063, causing the cysteine (C) at amino acid position 355 to be replaced by an arginine (R). This variant was not reported in population-based cohorts in the Genome Aggregation Database (gnomAD). This amino acid position is highly conserved in available vertebrate species. This missense alteration is located in a region that has a low rate of benign missense variation (Lek, 2016; Firth, 2009). This alteration is predicted to be deleterious by in silico analysis. Based on insufficient or conflicting evidence, the clinical significance of this alteration remains unclear.

NM_003403.5(YY1):c.1063T>C (p.Cys355Arg)

Gene: YY1 (YY1 transcription factor; plus strand). Cytogenetic location: 14q32.2.
Variant type: single nucleotide variant.
Coding change: c.1063T>C on transcript NM_003403.5 (MANE Select); coding-DNA position 1063, T replaced by C.
Protein change: p.Cys355Arg; replaces cysteine 355 with arginine.
Molecular consequence: missense variant.
Genome position (GRCh38, 1-based): chr14:100,277,418, T>C. VCF-style: chr14-100277418-T-C. GRCh37 (hg19) VCF-style: chr14-100743755-T-C.
Other names: short protein forms C355R.
Identifiers: ClinVar variation 3983282 (VCV003983282.2).